The following is an entry in ClinVar:

NM_001367823.1(ARHGEF18):c.968-24A>G

Gene: ARHGEF18 (Rho/Rac guanine nucleotide exchange factor 18; plus strand). Cytogenetic location: 19p13.2.
Variant type: single nucleotide variant.
Coding change: c.968-24A>G on transcript NM_001367823.1 (MANE Select); 24 bases into the intron before coding-DNA position 968, A replaced by G.
Molecular consequence: intron variant. On other transcripts: missense variant (1), 5 prime UTR variant (1).
Genome position (GRCh38, 1-based): chr19:7,440,320, A>G. VCF-style: chr19-7440320-A-G. GRCh37 (hg19) VCF-style: chr19-7505206-A-G.
Other names: c.218A>G, p.Asn73Ser (NM_001130955.2); c.-95A>G (NM_001367824.1); c.-71-24A>G (NM_015318.4); c.380A>G (NM_001130955.1); short protein forms N73S.
Identifiers: ClinVar variation 1356336 (VCV001356336.5), dbSNP rs758121824, ClinGen allele CA9136308.

ClinVar aggregate classification (germline): Uncertain significance. Review status: criteria provided, multiple submitters, no conflicts (2 of 4 stars). 2 submissions from 2 submitters: Uncertain significance (2). Last evaluated 2025-08-06.

Conditions:
Inborn genetic diseases. Identifiers: MedGen C0950123, MeSH D030342.

Allele frequency attached by ClinVar (database versions not stated): gnomAD 0.00002; TOPMed 0.00004; ExAC 0.00005; gnomAD exomes 0.00005.
gnomAD v4.1: 37 of 1,607,806 alleles (0.0023%); highest among the groups gnomAD compares: Middle Eastern, 0.033%; no homozygotes.

Submissions (2):

Ambry Genetics
Classification: Uncertain significance for Inborn genetic diseases. Last evaluated: 2025-08-06. Review status: criteria provided, single submitter. Criteria: Ambry Variant Classification Scheme 2023. Collection method: clinical testing. Allele origin: germline.

Labcorp Genetics (formerly Invitae), Labcorp
Classification: Uncertain significance. Last evaluated: 2023-10-29. Review status: criteria provided, single submitter. Criteria: Invitae Variant Classification Sherloc (09022015). Collection method: clinical testing. Allele origin: germline.
Comment: This sequence change replaces asparagine, which is neutral and polar, with serine, which is neutral and polar, at codon 127 of the ARHGEF18 protein (p.Asn127Ser). This variant is present in population databases (rs758121824, gnomAD 0.02%). This variant has not been reported in the literature in individuals affected with ARHGEF18-related conditions. ClinVar contains an entry for this variant (Variation ID: 1356336). An algorithm developed to predict the effect of missense changes on protein structure and function (PolyPhen-2) suggests that this variant¬†is likely to be tolerated. In summary, the available evidence is currently insufficient to determine the role of this variant in disease. Therefore, it has been classified as a Variant of Uncertain Significance.